The following is an entry in ClinVar:

ClinVar aggregate classification (germline): Pathogenic/Likely pathogenic. Review status: criteria provided, multiple submitters, no conflicts (2 of 4 stars). 4 submissions from 4 submitters: Pathogenic (1); Likely pathogenic (2). 1 of the submissions does not count toward it. Last evaluated 2026-01-17.

Conditions:
Transketolase deficiency. Also called: Short stature, developmental delay, and congenital heart defects. Identifiers: Orphanet 488618, MedGen C5700245, MONDO:0014881, OMIM 617044.

Allele frequency attached by ClinVar (database versions not stated): gnomAD exomes 0.00007 and 0.00012; gnomAD 0.00005 and 0.00004; ExAC 0.00012.

Submissions (4):

GeneDx
Classification: Pathogenic. Last evaluated: 2026-01-17. Review status: criteria provided, single submitter. Criteria: GeneDx Variant Classification Process June 2021. Collection method: clinical testing. Allele origin: germline. Affected: yes.
Comment: Published functional studies demonstrate a damaging effect with no residual transketolase enzyme activity (PMID: 27259054); In-frame deletion of 1 amino acid and insertion of 7 different amino acids in a non-repeat region; In silico analysis supports a deleterious effect on protein structure/function; This variant is associated with the following publications: (PMID: 27259054, 32828637, 36978159)

Revvity Omics, Revvity
Classification: Likely pathogenic for Transketolase deficiency. Last evaluated: 2023-10-19. Review status: criteria provided, single submitter. Criteria: ACMG Guidelines, 2015. Collection method: clinical testing. Allele origin: germline.

Labcorp Genetics (formerly Invitae), Labcorp
Classification: Likely pathogenic. Last evaluated: 2021-09-30. Review status: criteria provided, single submitter. Criteria: Invitae Variant Classification Sherloc (09022015). Collection method: clinical testing. Allele origin: germline.
Comment: This variant, c.769_770insCTACCTCCTTATCTTCTG, is a complex sequence change that results in the deletion of 1 and insertion of 7 amino acid(s) in the TKT protein (p.Trp257delinsSerThrSerLeuSerSerGly). The frequency data for this variant in the population databases is considered unreliable, as metrics indicate poor data quality at this position in the ExAC database. This variant has been observed in individual(s) with transketolase deficiency (PMID: 27259054). It has also been observed to segregate with disease in related individuals. ClinVar contains an entry for this variant (Variation ID: 243092). In summary, the currently available evidence indicates that the variant is pathogenic, but additional data are needed to prove that conclusively. Therefore, this variant has been classified as Likely Pathogenic.

OMIM
Classification: Pathogenic for SHORT STATURE, DEVELOPMENTAL DELAY, AND CONGENITAL HEART DEFECTS. Last evaluated: 2016-07-20. Review status: no assertion criteria provided. Collection method: literature only. Allele origin: germline. Not counted in ClinVar's aggregate classification.

Literature cited by the submitters: PubMed 27259054 (cited by Labcorp Genetics (formerly Invitae), Labcorp and OMIM).

NM_001135055.2:c.769_770insCTACCTCCTTATCTTCTG

Gene: TKT (transketolase; minus strand). Cytogenetic location: 3p21.1.
Variant type: Insertion.
Molecular consequence: inframe indel (on NM_001064.4). On other transcripts: non-coding transcript variant (1).
Genome position: GRCh38 VCF-style: chr3-53231529-C-CCAGAAGATAAGGAGGTAG. GRCh37 (hg19) VCF-style: chr3-53265545-C-CCAGAAGATAAGGAGGTAG.
Other names: c.769_770ins18 (NM_001135055.2); c.769_770insCTACCTCCTTATCTTCTG, p.Trp257delinsSerThrSerLeuSerSerGly (NM_001064.4, NM_001135055.3); c.793_794insCTACCTCCTTATCTTCTG, p.Trp265delinsSerThrSerLeuSerSerGly (NM_001258028.2).
Identifiers: ClinVar variation 243092 (VCV000243092.15), dbSNP rs781905246, ClinGen allele CA358413.